The following is an entry in ClinVar:

ClinVar aggregate classification (germline): Benign. Review status: criteria provided, single submitter (1 of 4 stars). 2 submissions from 2 submitters: Benign (1). 1 of the submissions does not count toward it. Last evaluated 2026-01-28.

Conditions:
Ellis-van Creveld syndrome (EVC). Also called: MESOECTODERMAL DYSPLASIA; EVC-Related Ellis-van Creveld Syndrome; EVC2-Related Ellis-van Creveld Syndrome; Chondroectodermal dysplasia. Identifiers: Orphanet 289, MedGen C0013903, MONDO:0009162, OMIM 225500.
Curry-Hall syndrome (WAD). Also called: WEYERS ACRODENTAL DYSOSTOSIS. Identifiers: Orphanet 952, MedGen C0457013, MONDO:0008673, OMIM 193530.
EVC2-related disorder. Also called: EVC2-related condition.

Allele frequency attached by ClinVar (database versions not stated): gnomAD 0.00004; gnomAD exomes 0.00006 and 0.00014; TOPMed 0.00006; ExAC 0.00012.
gnomAD v4.1: 98 of 1,613,940 alleles (0.0061%); highest among the groups gnomAD compares: Admixed American, 0.0033%; no homozygotes.

Submissions (2):

Labcorp Genetics (formerly Invitae), Labcorp
Classification: Benign for Curry-Hall syndrome; Ellis-van Creveld syndrome. Last evaluated: 2026-01-28. Review status: criteria provided, single submitter. Criteria: Invitae Variant Classification Sherloc (09022015). Collection method: clinical testing. Allele origin: germline.

PreventionGenetics, part of Exact Sciences
Classification: Likely benign for EVC2-related condition. Last evaluated: 2019-06-03. Review status: no assertion criteria provided. Collection method: clinical testing. Allele origin: germline. Not counted in ClinVar's aggregate classification.
Comment: This variant is classified as likely benign based on ACMG/AMP sequence variant interpretation guidelines (Richards et al. 2015 PMID: 25741868, with internal and published modifications).

NM_147127.5(EVC2):c.1146-5C>G

Genes: EVC2 (EvC ciliary complex subunit 2; minus strand), LOC126806961 (BRD4-independent group 4 enhancer GRCh37_chr4:5641443-5642642; plus strand). Cytogenetic location: 4p16.2.
Variant type: single nucleotide variant.
Coding change: c.1146-5C>G on transcript NM_147127.5 (MANE Select); 5 bases into the intron before coding-DNA position 1146, C replaced by G.
Molecular consequence: intron variant.
Genome position (GRCh38, 1-based): chr4:5,640,843, G>C on the plus strand (C>G on the coding strand, the complement: EVC2 is on the minus strand). VCF-style: chr4-5640843-G-C. GRCh37 (hg19) VCF-style: chr4-5642570-G-C.
Other names: c.906-5C>G (NM_001166136.2).
Identifiers: ClinVar variation 750182 (VCV000750182.14), dbSNP rs746188195, ClinGen allele CA2835132.
Genomic context (GRCh38, chr4:5,640,843, plus strand): 5'-GTGTTCGACAAGCCTCCAGATCTGCATCTGCCCGATTCAGGGTTGCAATCTCCAACCTAG[G>C]AAACACAAAAATCAAAAGAATTCCATTACATGAAATTGCAACAGAAACCAAAGGTCTTTC-3'